The following is an entry in ClinVar:

ClinVar aggregate classification (germline): Uncertain significance (1 of 4 stars; one submission).

Conditions:
Hereditary cancer-predisposing syndrome. Also called: Neoplastic Syndromes, Hereditary; Tumor predisposition; Hereditary Cancer Syndrome; Hereditary neoplastic syndrome. Identifiers: Orphanet 140162, MedGen C0027672, MeSH D009386, MONDO:0015356.

Submission:

Ambry Genetics
Classification: Uncertain significance for Hereditary cancer-predisposing syndrome. Last evaluated: 2021-09-27. Review status: criteria provided, single submitter. Criteria: Ambry Variant Classification Scheme 2023. Collection method: clinical testing. Allele origin: germline.
Comment: The p.A125S variant (also known as c.373G>T), located in coding exon 4 of the SDHAF2 gene, results from a G to T substitution at nucleotide position 373. The alanine at codon 125 is replaced by serine, an amino acid with similar properties. This amino acid position is well conserved in available vertebrate species. In addition, this alteration is predicted to be tolerated by in silico analysis. Since supporting evidence is limited at this time, the clinical significance of this alteration remains unclear.

NM_017841.4(SDHAF2):c.373G>T (p.Ala125Ser)

Gene: SDHAF2 (succinate dehydrogenase complex assembly factor 2; plus strand). Cytogenetic location: 11q12.2.
Variant type: single nucleotide variant.
Coding change: c.373G>T on transcript NM_017841.4 (MANE Select); coding-DNA position 373, G replaced by T.
Protein change: p.Ala125Ser; replaces alanine 125 with serine.
Molecular consequence: missense variant.
Genome position (GRCh38, 1-based): chr11:61,445,943, G>T. VCF-style: chr11-61445943-G-T. GRCh37 (hg19) VCF-style: chr11-61213415-G-T.
Other names: short protein forms A125S.
Identifiers: ClinVar variation 1734469 (VCV001734469.2), dbSNP rs2540132978, ClinGen allele CA380685223.
Genomic context (GRCh38, chr11:61,445,943, plus strand): 5'-CATACCTGAGCATTGACTGACTATGGCATAATTTTTTCTGCCCACTCTTCTCTTGCAGAA[G>T]CTAAACCAGCCCCAGAAATATTTGAAAATGAAGTCATGGCCCTGCTGAGAGACTTTGCTA-3'
Protein context (NP_060311.1, residues 115-135): DWDIYYWATE[Ala125Ser]KPAPEIFENE